The following is an entry in ClinVar:

NM_000321.3(RB1):c.2692C>T (p.Gln898Ter)

Gene: RB1 (RB transcriptional corepressor 1; plus strand). Cytogenetic location: 13q14.2.
Variant type: single nucleotide variant.
Coding change: c.2692C>T on transcript NM_000321.3 (MANE Select); coding-DNA position 2692, C replaced by T.
Protein change: p.Gln898Ter; replaces glutamine 898 with a stop codon.
Molecular consequence: nonsense.
Genome position (GRCh38, 1-based): chr13:48,477,383, C>T. VCF-style: chr13-48477383-C-T. GRCh37 (hg19) VCF-style: chr13-49051519-C-T.
Other names: short protein forms Q898*.
Identifiers: ClinVar variation 582281 (VCV000582281.9), dbSNP rs1566241180, ClinGen allele CA388157856.

ClinVar aggregate classification (germline): Uncertain significance (1 of 4 stars; one submission).

Conditions:
Retinoblastoma (RB1). Also called: RETINOBLASTOMA, SOMATIC. Identifiers: Orphanet 790, MedGen C0035335, MeSH D012175, MONDO:0008380, OMIM 180200, HP:0009919. Disease mechanism: loss of function. Inheritance: Both sporadic and heritable forms are tested..

Submission:

Labcorp Genetics (formerly Invitae), Labcorp
Classification: Uncertain significance for Retinoblastoma. Last evaluated: 2018-07-10. Review status: criteria provided, single submitter. Criteria: Invitae Variant Classification Sherloc (09022015). Collection method: clinical testing. Allele origin: germline.
Comment: This variant is not present in population databases (ExAC no frequency). This variant has not been reported in the literature in individuals with RB1-related disease. In summary, the available evidence is currently insufficient to determine the role of this variant in disease. Therefore, it has been classified as a Variant of Uncertain Significance. This variant is expected to disrupt the domain C of the RB1 protein, which is required for E4F1 interaction (PMID: 10869426). However, experimental studies are not available for this variant, and the functional significance of the deleted amino acids is currently unknown. This sequence change results in a premature translational stop signal in the RB1 gene (p.Gln898*). While this is not anticipated to result in nonsense mediated decay, it is expected to delete the last 31 amino acids of the RB1 protein.

Literature cited by the submitters: PubMed 10869426.